The following is an entry in ClinVar:

ClinVar aggregate classification (germline): Pathogenic (1 of 4 stars; one submission).

Submission:

Labcorp Genetics (formerly Invitae), Labcorp
Classification: Pathogenic. Last evaluated: 2022-11-02. Review status: criteria provided, single submitter. Criteria: Invitae Variant Classification Sherloc (09022015). Collection method: clinical testing. Allele origin: unknown.
Comment: For these reasons, this variant has been classified as Pathogenic. This variant has not been reported in the literature in individuals affected with GPR143-related conditions. This variant is a gross deletion of the genomic region encompassing exon(s) 1-3 of the GPR143 gene, which includes the initiator codon. This deletion extends beyond the assayed region for this gene and therefore may encompass additional genes. It is expected to result in an absent or disrupted protein product. Loss-of-function variants in GPR143 are known to be pathogenic (PMID: 15965158, 18978956, 19390656, 21541274, 26160353, 28211458).

Literature cited by the submitters: PubMed 15965158; PubMed 18978956; PubMed 19390656; PubMed 21541274; PubMed 26160353; PubMed 28211458.

NC_000023.10:g.(?_9727352)_(9733857_?)del

Gene: GPR143 (G protein-coupled receptor 143; minus strand). Cytogenetic location: Xp22.2.
Variant type: Deletion.
Identifiers: ClinVar variation 3245723 (VCV003245723.1).